The following is an entry in ClinVar:

ClinVar aggregate classification (germline): Likely benign (0 of 4 stars; one submission).

Conditions:
KHK-related disorder. Also called: KHK-related condition.

Allele frequency attached by ClinVar (database versions not stated): gnomAD exomes 0.00003; gnomAD 0.00007; ExAC 0.00010; TOPMed 0.00011; 1000 Genomes Project 0.00020; 1000 Genomes Project 30x 0.00031.

Submission:

PreventionGenetics, part of Exact Sciences
Classification: Likely benign for KHK-related condition. Last evaluated: 2019-02-28. Review status: no assertion criteria provided. Collection method: clinical testing. Allele origin: germline.
Comment: This variant is classified as likely benign based on ACMG/AMP sequence variant interpretation guidelines (Richards et al. 2015 PMID: 25741868, with internal and published modifications).

NM_006488.3(KHK):c.144C>T (p.Thr48=)

Gene: KHK (ketohexokinase; plus strand). Cytogenetic location: 2p23.3.
Variant type: single nucleotide variant.
Coding change: c.144C>T on transcript NM_006488.3 (MANE Select); coding-DNA position 144, C replaced by T.
Protein change: p.Thr48=; no amino-acid change (threonine 48 retained).
Molecular consequence: synonymous variant.
Genome position (GRCh38, 1-based): chr2:27,092,383, C>T. VCF-style: chr2-27092383-C-T. GRCh37 (hg19) VCF-style: chr2-27315251-C-T.
Other names: c.144C>T, p.Thr48= (NM_000221.3).
Identifiers: ClinVar variation 3058664 (VCV003058664.2), dbSNP rs539559919, ClinGen allele CA1569114.